The following is an entry in ClinVar:

ClinVar aggregate classification (germline): Uncertain significance (1 of 4 stars; one submission).

Conditions:
Developmental and epileptic encephalopathy. Identifiers: MedGen C5779964, MONDO:0100620.

Submission:

Labcorp Genetics (formerly Invitae), Labcorp
Classification: Uncertain significance for Early-infantile DEE. Last evaluated: 2022-08-23. Review status: criteria provided, single submitter. Criteria: Invitae Variant Classification Sherloc (09022015). Collection method: clinical testing. Allele origin: germline.
Comment: This sequence change replaces proline, which is neutral and non-polar, with leucine, which is neutral and non-polar, at codon 1111 of the CACNA2D2 protein (p.Pro1111Leu). This variant is not present in population databases (gnomAD no frequency). This variant has not been reported in the literature in individuals affected with CACNA2D2-related conditions. ClinVar contains an entry for this variant (Variation ID: 970220). Algorithms developed to predict the effect of missense changes on protein structure and function are either unavailable or do not agree on the potential impact of this missense change (SIFT: "Deleterious"; PolyPhen-2: "Possibly Damaging"; Align-GVGD: "Class C0"). In summary, the available evidence is currently insufficient to determine the role of this variant in disease. Therefore, it has been classified as a Variant of Uncertain Significance.

NM_006030.4(CACNA2D2):c.3332C>T (p.Pro1111Leu)

Genes: CACNA2D2 (calcium voltage-gated channel auxiliary subunit alpha2delta 2; minus strand), LOC127898564 (CYB561D2-LOC101928965; plus strand). Cytogenetic location: 3p21.31.
Variant type: single nucleotide variant.
Coding change: c.3332C>T on transcript NM_006030.4 (MANE Select); coding-DNA position 3332, C replaced by T.
Protein change: p.Pro1111Leu; replaces proline 1111 with leucine.
Molecular consequence: missense variant.
Genome position (GRCh38, 1-based): chr3:50,364,766, G>A on the plus strand (C>T on the coding strand, the complement: CACNA2D2 is on the minus strand). VCF-style: chr3-50364766-G-A. GRCh37 (hg19) VCF-style: chr3-50402197-G-A.
Other names: c.3338C>T, p.Pro1113Leu (NM_001005505.3); c.3353C>T, p.Pro1118Leu (NM_001174051.3); c.3131C>T, p.Pro1044Leu (NM_001291101.1); short protein forms P1118L, P1113L, P1044L, P1111L.
Identifiers: ClinVar variation 970220 (VCV000970220.5), dbSNP rs1704130154, ClinGen allele CA352961095.